The following is an entry in ClinVar:

ClinVar aggregate classification (germline): Uncertain significance. Review status: criteria provided, multiple submitters, no conflicts (2 of 4 stars). 3 submissions from 3 submitters: Uncertain significance (3). Last evaluated 2024-12-17.

Conditions:
Hereditary cancer-predisposing syndrome. Also called: Neoplastic Syndromes, Hereditary; Tumor predisposition; Hereditary Cancer Syndrome; Hereditary neoplastic syndrome. Identifiers: Orphanet 140162, MedGen C0027672, MeSH D009386, MONDO:0015356.
Familial adenomatous polyposis 1 (FAP1). Also called: FAMILIAL ADENOMATOUS POLYPOSIS 1, ATTENUATED; POLYPOSIS, ADENOMATOUS INTESTINAL. Identifiers: MedGen C2713442, MONDO:0021056, OMIM 175100. Disease mechanism: loss of function.

Allele frequency attached by ClinVar (database versions not stated): gnomAD exomes below 0.00001.
gnomAD v4.1: 1 of 1,614,152 alleles (0.000062%); highest among the groups gnomAD compares: Non-Finnish European, 0.000085%; no homozygotes.

Submissions (3):

Ambry Genetics
Classification: Uncertain significance for Hereditary cancer-predisposing syndrome. Last evaluated: 2024-12-17. Review status: criteria provided, single submitter. Criteria: Ambry Variant Classification Scheme 2023. Collection method: clinical testing. Allele origin: germline.
Comment: The p.T1074I variant (also known as c.3221C>T), located in coding exon 15 of the APC gene, results from a C to T substitution at nucleotide position 3221. The threonine at codon 1074 is replaced by isoleucine, an amino acid with similar properties. This amino acid position is not well conserved in available vertebrate species. In addition, in silico predictors for this gene do not accurately predict pathogenicity. Missense alterations in APC are not a common cause of disease (Spier I et al. Genet Med. 2024 Feb;26(2):100992). Based on the available evidence, the clinical significance of this variant remains unclear.

Labcorp Genetics (formerly Invitae), Labcorp
Classification: Uncertain significance for Familial adenomatous polyposis 1. Last evaluated: 2024-08-13. Review status: criteria provided, single submitter. Criteria: Invitae Variant Classification Sherloc (09022015). Collection method: clinical testing. Allele origin: germline.
Comment: This sequence change replaces threonine, which is neutral and polar, with isoleucine, which is neutral and non-polar, at codon 1074 of the APC protein (p.Thr1074Ile). This variant is not present in population databases (gnomAD no frequency). This variant has not been reported in the literature in individuals affected with APC-related conditions. ClinVar contains an entry for this variant (Variation ID: 482265). Advanced modeling of protein sequence and biophysical properties (such as structural, functional, and spatial information, amino acid conservation, physicochemical variation, residue mobility, and thermodynamic stability) performed at Invitae indicates that this missense variant is not expected to disrupt APC protein function with a negative predictive value of 95%. In summary, the available evidence is currently insufficient to determine the role of this variant in disease. Therefore, it has been classified as a Variant of Uncertain Significance.

Color Diagnostics, LLC DBA Color Health
Classification: Uncertain significance for Hereditary cancer-predisposing syndrome. Last evaluated: 2022-09-19. Review status: criteria provided, single submitter. Criteria: ACMG Guidelines, 2015. Collection method: clinical testing. Allele origin: germline.
Comment: This missense variant replaces threonine with isoleucine at codon 1074 of the APC protein. Computational prediction suggests that this variant may not impact protein structure and function (internally defined REVEL score threshold <= 0.5, PMID: 27666373). To our knowledge, functional studies have not been reported for this variant. This variant has not been reported in individuals affected with hereditary cancer in the literature. This variant has not been identified in the general population by the Genome Aggregation Database (gnomAD). The available evidence is insufficient to determine the role of this variant in disease conclusively. Therefore, this variant is classified as a Variant of Uncertain Significance.

NM_000038.6(APC):c.3221C>T (p.Thr1074Ile)

Gene: APC (APC regulator of Wnt signaling pathway; plus strand). Cytogenetic location: 5q22.2.
Variant type: single nucleotide variant.
Coding change: c.3221C>T on transcript NM_000038.6 (MANE Select); coding-DNA position 3221, C replaced by T.
Protein change: p.Thr1074Ile; replaces threonine 1074 with isoleucine.
Molecular consequence: missense variant.
Genome position (GRCh38, 1-based): chr5:112,838,815, C>T. VCF-style: chr5-112838815-C-T. GRCh37 (hg19) VCF-style: chr5-112174512-C-T.
Other names: c.3221C>T, p.Thr1074Ile (NM_001127510.3, NM_001354895.2); c.3167C>T, p.Thr1056Ile (NM_001127511.3); c.3275C>T, p.Thr1092Ile (NM_001354896.2); c.3251C>T, p.Thr1084Ile (NM_001354897.2); c.3146C>T, p.Thr1049Ile (NM_001354898.2); c.3137C>T, p.Thr1046Ile (NM_001354899.2); c.3098C>T, p.Thr1033Ile (NM_001354900.2); c.3044C>T, p.Thr1015Ile (NM_001354901.2); and 5 more; short protein forms T1056I, T1074I, T1033I, T914I, T948I, T973I, T1015I, T1049I.
Identifiers: ClinVar variation 482265 (VCV000482265.12), dbSNP rs1554084865, ClinGen allele CA16028401.